The following is an entry in ClinVar:

ClinVar aggregate classification (germline): Uncertain significance (1 of 4 stars; one submission).

Conditions:
Hereditary cancer-predisposing syndrome. Also called: Tumor predisposition; Neoplastic Syndromes, Hereditary; Hereditary Cancer Syndrome; Hereditary neoplastic syndrome. Identifiers: Orphanet 140162, MedGen C0027672, MeSH D009386, MONDO:0015356.

Submission:

Ambry Genetics
Classification: Uncertain significance for Hereditary cancer-predisposing syndrome. Last evaluated: 2025-02-12. Review status: criteria provided, single submitter. Criteria: Ambry Variant Classification Scheme 2023. Collection method: clinical testing. Allele origin: germline.
Comment: The p.H630Q variant (also known as c.1890C>A), located in coding exon 13 of the MSH3 gene, results from a C to A substitution at nucleotide position 1890. The histidine at codon 630 is replaced by glutamine, an amino acid with highly similar properties. This amino acid position is conserved. In addition, this alteration is predicted to be deleterious by in silico analysis. Based on the available evidence, the clinical significance of this variant remains unclear.

NM_002439.5(MSH3):c.1890C>A (p.His630Gln)

Gene: MSH3 (mutS homolog 3; plus strand). Cytogenetic location: 5q14.1.
Variant type: single nucleotide variant.
Coding change: c.1890C>A on transcript NM_002439.5 (MANE Select); coding-DNA position 1890, C replaced by A.
Protein change: p.His630Gln; replaces histidine 630 with glutamine.
Molecular consequence: missense variant.
Genome position (GRCh38, 1-based): chr5:80,761,672, C>A. VCF-style: chr5-80761672-C-A. GRCh37 (hg19) VCF-style: chr5-80057491-C-A.
Other names: short protein forms H630Q.
Identifiers: ClinVar variation 3874990 (VCV003874990.1).